The following is an entry in ClinVar:

NM_020533.3(MCOLN1):c.509A>G (p.Tyr170Cys)

Gene: MCOLN1 (mucolipin TRP cation channel 1; plus strand). Cytogenetic location: 19p13.2.
Variant type: single nucleotide variant.
Coding change: c.509A>G on transcript NM_020533.3 (MANE Select); coding-DNA position 509, A replaced by G.
Protein change: p.Tyr170Cys; replaces tyrosine 170 with cysteine.
Molecular consequence: missense variant.
Genome position (GRCh38, 1-based): chr19:7,526,864, A>G. VCF-style: chr19-7526864-A-G. GRCh37 (hg19) VCF-style: chr19-7591750-A-G.
Other names: short protein forms Y170C.
Identifiers: ClinVar variation 4747474 (VCV004747474.1).

ClinVar aggregate classification (germline): Uncertain significance (1 of 4 stars; one submission).

Conditions:
Mucolipidosis type IV (ML4). Also called: ML IV. Identifiers: Orphanet 578, MedGen C0238286, MONDO:0009653, OMIM 252650.

Submission:

Labcorp Genetics (formerly Invitae), Labcorp
Classification: Uncertain significance for Mucolipidosis type IV. Last evaluated: 2025-09-20. Review status: criteria provided, single submitter. Criteria: Invitae Variant Classification Sherloc (09022015). Collection method: clinical testing. Allele origin: germline.
Comment: This sequence change replaces tyrosine, which is neutral and polar, with cysteine, which is neutral and slightly polar, at codon 170 of the MCOLN1 protein (p.Tyr170Cys). This variant is not present in population databases (gnomAD no frequency). This variant has not been reported in the literature in individuals affected with MCOLN1-related conditions. Invitae Evidence Modeling of protein sequence and biophysical properties (such as structural, functional, and spatial information, amino acid conservation, physicochemical variation, residue mobility, and thermodynamic stability) has been performed for this missense variant. However, the output from this modeling did not meet the statistical confidence thresholds required to predict the impact of this variant on MCOLN1 protein function. In summary, the available evidence is currently insufficient to determine the role of this variant in disease. Therefore, it has been classified as a Variant of Uncertain Significance.